The following is an entry in ClinVar:

NM_032193.4(RNASEH2C):c.227C>T (p.Pro76Leu)

Gene: RNASEH2C (ribonuclease H2 subunit C; minus strand). Cytogenetic location: 11q13.1.
Variant type: single nucleotide variant.
Coding change: c.227C>T on transcript NM_032193.4 (MANE Select); coding-DNA position 227, C replaced by T.
Protein change: p.Pro76Leu; replaces proline 76 with leucine.
Molecular consequence: missense variant.
Genome position (GRCh38, 1-based): chr11:65,720,363, G>A on the plus strand (C>T on the coding strand, the complement: RNASEH2C is on the minus strand). VCF-style: chr11-65720363-G-A. GRCh37 (hg19) VCF-style: chr11-65487834-G-A.
Other names: c.227C>T (NM_032193.3); short protein forms P76L.
Identifiers: ClinVar variation 806694 (VCV000806694.45), dbSNP rs76091978, ClinGen allele CA6107764.

ClinVar aggregate classification (germline): Conflicting classifications of pathogenicity. Review status: criteria provided, conflicting classifications (1 of 4 stars). 4 submissions from 4 submitters: Likely pathogenic (2); Uncertain significance (1). 1 of the submissions does not count toward it. Last evaluated 2022-10-13.

Conditions:
RNASEH2C-related disorder. Also called: RNASEH2C-related condition.
Aicardi-Goutieres syndrome 3. Identifiers: Orphanet 51, MedGen C1835916, MONDO:0012471, OMIM 610329.

Allele frequency attached by ClinVar (database versions not stated): gnomAD exomes below 0.00001 and 0.00001; ExAC 0.00001.
gnomAD v4.1: 1 of 1,614,222 alleles (0.000062%); highest among the groups gnomAD compares: East Asian, 0.0022%; no homozygotes.

Submissions (4):

Labcorp Genetics (formerly Invitae), Labcorp
Classification: Uncertain significance for Aicardi-Goutieres syndrome 3. Last evaluated: 2022-10-13. Review status: criteria provided, single submitter. Criteria: Invitae Variant Classification Sherloc (09022015). Collection method: clinical testing. Allele origin: germline.
Comment: This sequence change replaces proline, which is neutral and non-polar, with leucine, which is neutral and non-polar, at codon 76 of the RNASEH2C protein (p.Pro76Leu). This variant is present in population databases (rs76091978, gnomAD 0.006%). This missense change has been observed in individual(s) with Aicardi-Goutieres syndrome (PMID: 17846997). ClinVar contains an entry for this variant (Variation ID: 806694). Algorithms developed to predict the effect of missense changes on protein structure and function (SIFT, PolyPhen-2, Align-GVGD) all suggest that this variant is likely to be disruptive. In summary, the available evidence is currently insufficient to determine the role of this variant in disease. Therefore, it has been classified as a Variant of Uncertain Significance.

CeGaT Center for Human Genetics Tuebingen
Classification: Likely pathogenic. Last evaluated: 2017-10-01. Review status: criteria provided, single submitter. Criteria: CeGaT Center For Human Genetics Tuebingen Variant Classification Criteria Version 2. Collection method: clinical testing. Allele origin: germline. Affected: yes. Observed: 1 variant allele.

Neuberg Centre For Genomic Medicine, NCGM
Classification: Likely pathogenic for Aicardi-Goutieres syndrome 3. Review status: criteria provided, single submitter. Criteria: ACMG Guidelines, 2015. Collection method: clinical testing. Allele origin: germline. Affected: yes.
Comment: The missense variant p.P76L in RNASEH2C (NM_032193.4) has been previously reported in homozygous form in affected individual (Rice G et al). It has been submitted to ClinVar as Likely Pathogenic. The p.P76L variant is observed in 1/18,382 (0.0054%) alleles from individuals of East Asian background in gnomAD Exomes and is novel (not in any individuals) in 1000 Genomes.In silico predictios are contradictory: SIFT- Tolerated, Polyphen-Damaging and the residue is conserved across species. For these reasons, this variant has been classified as Likely Pathogenic.

PreventionGenetics, part of Exact Sciences
Classification: Likely pathogenic for RNASEH2C-related condition. Last evaluated: 2024-05-27. Review status: no assertion criteria provided. Collection method: clinical testing. Allele origin: germline. Not counted in ClinVar's aggregate classification.
Comment: The RNASEH2C c.227C>T variant is predicted to result in the amino acid substitution p.Pro76Leu. This variant was reported in the homozygous or compound heterozygous state in at least two individuals with Aicardi-Goutières syndrome (Rice et al 2007. PubMed ID: 17846997). This variant is located in a region of RNASE2C critical for heterotrimer formation and where several pathogenic variants are located (Reijns et al. 2011. PubMed ID: 21177854), and was functionally shown via laboratory methods to result in partial loss-of-function and subsequent increased migration of DNA from the nucleus (Günther et al. 2015. PubMed ID: 25500883). This variant is reported in 0.0054% of alleles in individuals of East Asian descent in gnomAD. This variant is interpreted as likely pathogenic.

Literature cited by the submitters: PubMed 17846997 (cited by Labcorp Genetics (formerly Invitae), Labcorp).